The following is an entry in ClinVar:

ClinVar aggregate classification (germline): Uncertain significance (1 of 4 stars; one submission).

Allele frequency attached by ClinVar (database versions not stated): gnomAD exomes 0.00001 and 0.00002.

Submission:

Labcorp Genetics (formerly Invitae), Labcorp
Classification: Uncertain significance. Last evaluated: 2022-05-16. Review status: criteria provided, single submitter. Criteria: Invitae Variant Classification Sherloc (09022015). Collection method: clinical testing. Allele origin: germline.
Comment: This sequence change replaces glycine, which is neutral and non-polar, with valine, which is neutral and non-polar, at codon 1216 of the TUBGCP6 protein (p.Gly1216Val). This variant is present in population databases (no rsID available, gnomAD 0.003%). This variant has not been reported in the literature in individuals affected with TUBGCP6-related conditions. Algorithms developed to predict the effect of missense changes on protein structure and function (SIFT, PolyPhen-2, Align-GVGD) all suggest that this variant is likely to be tolerated. In summary, the available evidence is currently insufficient to determine the role of this variant in disease. Therefore, it has been classified as a Variant of Uncertain Significance.

NM_020461.4(TUBGCP6):c.3647G>T (p.Gly1216Val)

Gene: TUBGCP6 (tubulin gamma complex component 6; minus strand). Cytogenetic location: 22q13.33.
Variant type: single nucleotide variant.
Coding change: c.3647G>T on transcript NM_020461.4 (MANE Select); coding-DNA position 3647, G replaced by T.
Protein change: p.Gly1216Val; replaces glycine 1216 with valine.
Molecular consequence: missense variant.
Genome position (GRCh38, 1-based): chr22:50,220,712, C>A on the plus strand (G>T on the coding strand, the complement: TUBGCP6 is on the minus strand). VCF-style: chr22-50220712-C-A. GRCh37 (hg19) VCF-style: chr22-50659141-C-A.
Other names: short protein forms G1216V.
Identifiers: ClinVar variation 1445128 (VCV001445128.6), dbSNP rs1407729765, ClinGen allele CA412181117.